The following is an entry in ClinVar:

NM_002076.4(GNS):c.255T>G (p.Tyr85Ter)

Gene: GNS (glucosamine (N-acetyl)-6-sulfatase; minus strand). Cytogenetic location: 12q14.3.
Variant type: single nucleotide variant.
Coding change: c.255T>G on transcript NM_002076.4 (MANE Select); coding-DNA position 255, T replaced by G.
Protein change: p.Tyr85Ter; replaces tyrosine 85 with a stop codon.
Molecular consequence: nonsense.
Genome position (GRCh38, 1-based): chr12:64,747,916, A>C on the plus strand (T>G on the coding strand, the complement: GNS is on the minus strand). VCF-style: chr12-64747916-A-C. GRCh37 (hg19) VCF-style: chr12-65141696-A-C.
Other names: short protein forms Y85*.
Identifiers: ClinVar variation 1961741 (VCV001961741.5), dbSNP rs765701552, ClinGen allele CA6669980.

ClinVar aggregate classification (germline): Pathogenic (1 of 4 stars; one submission).

Conditions:
Mucopolysaccharidosis, MPS-III-D (MPS3D). Also called: N-ACETYLGLUCOSAMINE-6-SULFATASE DEFICIENCY; SANFILIPPO SYNDROME D; MPS III D; Mucopoly-saccharidosis type 3D; N-acetylglucosamine-6-sulfate sulfatase deficiency; MPS 3D. Identifiers: Orphanet 581, Orphanet 79272, MedGen C0086650, MONDO:0009658, OMIM 252940.

Allele frequency attached by ClinVar (database versions not stated): TOPMed below 0.00001.

Submission:

Labcorp Genetics (formerly Invitae), Labcorp
Classification: Pathogenic for Mucopolysaccharidosis, MPS-III-D. Last evaluated: 2022-08-03. Review status: criteria provided, single submitter. Criteria: Invitae Variant Classification Sherloc (09022015). Collection method: clinical testing. Allele origin: germline.
Comment: This sequence change creates a premature translational stop signal (p.Tyr85*) in the GNS gene. It is expected to result in an absent or disrupted protein product. Loss-of-function variants in GNS are known to be pathogenic (PMID: 20232353). This variant is present in population databases (rs765701552, gnomAD 0.003%). This variant has not been reported in the literature in individuals affected with GNS-related conditions. Algorithms developed to predict the effect of sequence changes on RNA splicing suggest that this variant may create or strengthen a splice site. For these reasons, this variant has been classified as Pathogenic.

Literature cited by the submitters: PubMed 20232353.